The following is an entry in ClinVar:

NM_001037.5(SCN1B):c.585G>A (p.Glu195=)

Gene: SCN1B (sodium voltage-gated channel beta subunit 1; plus strand). Cytogenetic location: 19q13.11.
Variant type: single nucleotide variant.
Coding change: c.585G>A on transcript NM_001037.5 (MANE Select); coding-DNA position 585, G replaced by A.
Protein change: p.Glu195=; no amino-acid change (glutamic acid 195 retained).
Molecular consequence: synonymous variant.
Genome position (GRCh38, 1-based): chr19:35,039,253, G>A. VCF-style: chr19-35039253-G-A. GRCh37 (hg19) VCF-style: chr19-35530157-G-A.
Other names: c.486G>A, p.Glu162= (NM_001321605.2).
Identifiers: ClinVar variation 508789 (VCV000508789.6), dbSNP rs753271148, ClinGen allele CA9372100.

ClinVar aggregate classification (germline): Conflicting classifications of pathogenicity. Review status: criteria provided, conflicting classifications (1 of 4 stars). 3 submissions from 3 submitters: Uncertain significance (1); Likely benign (2). Last evaluated 2025-10-13.

Conditions:
Brugada syndrome 5 (BRGDA5). Identifiers: Orphanet 130, Orphanet 871, MedGen C2748541, MONDO:0013015, OMIM 612838.
Cardiovascular phenotype. Identifiers: MedGen CN230736.

Allele frequency attached by ClinVar (database versions not stated): ExAC 0.00002; TOPMed below 0.00001; gnomAD exomes 0.00002.
gnomAD v4.1: 16 of 1,613,134 alleles (0.00099%); highest among the groups gnomAD compares: Admixed American, 0.0017%; no homozygotes.

Submissions (3):

Labcorp Genetics (formerly Invitae), Labcorp
Classification: Uncertain significance for Brugada syndrome 5. Last evaluated: 2025-10-13. Review status: criteria provided, single submitter. Criteria: Invitae Variant Classification Sherloc (09022015). Collection method: clinical testing. Allele origin: germline.
Comment: The SCN1B gene has multiple clinically relevant transcripts. This variant occurs in alternate transcript NM_001037.4, and corresponds to NM_199037.3:c.*5155G>A in the primary transcript. This sequence change affects codon 195 of the SCN1B mRNA. It is a 'silent' change, meaning that it does not change the encoded amino acid sequence of the SCN1B protein. This variant is present in population databases (rs753271148, gnomAD 0.004%). This variant has not been reported in the literature in individuals affected with SCN1B-related conditions. Experimental studies and prediction algorithms are not available or were not evaluated, and the effect of this variant on mRNA splicing is currently unknown. In summary, the available evidence is currently insufficient to determine the role of this variant in disease. Therefore, it has been classified as a Variant of Uncertain Significance.

Ambry Genetics
Classification: Likely benign for Cardiovascular phenotype. Last evaluated: 2021-11-29. Review status: criteria provided, single submitter. Criteria: Ambry Variant Classification Scheme 2023. Collection method: clinical testing. Allele origin: germline.

GeneDx
Classification: Likely benign. Last evaluated: 2017-04-12. Review status: criteria provided, single submitter. Criteria: GeneDx Variant Classification (06012015). Collection method: clinical testing. Allele origin: germline. Affected: yes.
Comment: This variant is considered likely benign or benign based on one or more of the following criteria: it is a conservative change, it occurs at a poorly conserved position in the protein, it is predicted to be benign by multiple in silico algorithms, and/or has population frequency not consistent with disease.